The following is an entry in ClinVar:

ClinVar aggregate classification (germline): Likely benign. Review status: criteria provided, multiple submitters, no conflicts (2 of 4 stars). 3 submissions from 3 submitters: Likely benign (3). Last evaluated 2025-12-03.

Conditions:
Inborn genetic diseases. Identifiers: MedGen C0950123, MeSH D030342.
Familial sleep-related hypermotor epilepsy. Also called: Autosomal Dominant Sleep-Related Hypermotor (Hyperkinetic) Epilepsy. Identifiers: Orphanet 98784, MedGen C3696898, MONDO:0000030.

Allele frequency attached by ClinVar (database versions not stated): gnomAD exomes 0.00001 and 0.00002; gnomAD 0.00002; TOPMed 0.00008; ExAC 0.00001.
gnomAD v4.1: 16 of 1,613,590 alleles (0.00099%); highest among the groups gnomAD compares: Admixed American, 0.012%; no homozygotes.

Submissions (3):

Labcorp Genetics (formerly Invitae), Labcorp
Classification: Likely benign. Last evaluated: 2025-12-03. Review status: criteria provided, single submitter. Criteria: Invitae Variant Classification Sherloc (09022015). Collection method: clinical testing. Allele origin: germline.

Ambry Genetics
Classification: Likely benign for Inborn genetic diseases. Last evaluated: 2019-12-23. Review status: criteria provided, single submitter. Criteria: Ambry Variant Classification Scheme 2023. Collection method: clinical testing. Allele origin: germline.

GeneDx
Classification: Likely benign. Last evaluated: 2017-01-03. Review status: criteria provided, single submitter. Criteria: GeneDx Variant Classification (06012015). Collection method: clinical testing. Allele origin: germline. Affected: yes.
Comment: This variant is considered likely benign or benign based on one or more of the following criteria: it is a conservative change, it occurs at a poorly conserved position in the protein, it is predicted to be benign by multiple in silico algorithms, and/or has population frequency not consistent with disease.

NM_000744.7(CHRNA4):c.1050C>T (p.Asp350=)

Gene: CHRNA4 (cholinergic receptor nicotinic alpha 4 subunit; minus strand). Cytogenetic location: 20q13.33.
Variant type: single nucleotide variant.
Coding change: c.1050C>T on transcript NM_000744.7 (MANE Select); coding-DNA position 1050, C replaced by T.
Protein change: p.Asp350=; no amino-acid change (aspartic acid 350 retained).
Molecular consequence: synonymous variant. On other transcripts: non-coding transcript variant (1).
Genome position (GRCh38, 1-based): chr20:63,350,361, G>A on the plus strand (C>T on the coding strand, the complement: CHRNA4 is on the minus strand). VCF-style: chr20-63350361-G-A. GRCh37 (hg19) VCF-style: chr20-61981713-G-A.
Other names: c.522C>T, p.Asp174= (NM_001256573.2).
Identifiers: ClinVar variation 392260 (VCV000392260.11), dbSNP rs751875597, ClinGen allele CA9957670.